The following is an entry in ClinVar:

ClinVar aggregate classification (germline): Likely benign. Review status: criteria provided, multiple submitters, no conflicts (2 of 4 stars). 3 submissions from 3 submitters: Likely benign (3). Last evaluated 2026-09-01.

Allele frequency attached by ClinVar (database versions not stated): gnomAD exomes 0.00001 and 0.00002; TOPMed 0.00001.
gnomAD v4.1: 10 of 1,614,096 alleles (0.00062%); highest among the groups gnomAD compares: South Asian, 0.0022%; no homozygotes.

Submissions (3):

CeGaT Center for Human Genetics Tuebingen
Classification: Likely benign. Last evaluated: 2026-09-01. Review status: criteria provided, single submitter. Criteria: CeGaT Center For Human Genetics Tuebingen Variant Classification Criteria Version 2. Collection method: clinical testing. Allele origin: germline. Affected: yes. Observed: 1 variant allele.
Comment: CSF1R: BP4, BP7

Labcorp Genetics (formerly Invitae), Labcorp
Classification: Likely benign. Last evaluated: 2025-12-15. Review status: criteria provided, single submitter. Criteria: Invitae Variant Classification Sherloc (09022015). Collection method: clinical testing. Allele origin: germline.

Blueprint Genetics
Classification: Likely benign. Last evaluated: 2024-05-21. Review status: criteria provided, single submitter. Criteria: ACMG Guidelines, 2015. Collection method: clinical testing. Allele origin: germline.

NM_001288705.3(CSF1R):c.2742C>T (p.Ala914=)

Gene: CSF1R (colony stimulating factor 1 receptor; minus strand). Cytogenetic location: 5q32.
Variant type: single nucleotide variant.
Coding change: c.2742C>T on transcript NM_001288705.3 (MANE Select); coding-DNA position 2742, C replaced by T.
Protein change: p.Ala914=; no amino-acid change (alanine 914 retained).
Molecular consequence: synonymous variant. On other transcripts: non-coding transcript variant (2).
Genome position (GRCh38, 1-based): chr5:150,054,343, G>A on the plus strand (C>T on the coding strand, the complement: CSF1R is on the minus strand). VCF-style: chr5-150054343-G-A. GRCh37 (hg19) VCF-style: chr5-149433906-G-A.
Other names: c.2742C>T, p.Ala914= (NM_001349736.2, NM_001375320.1, NM_005211.4); c.2298C>T, p.Ala766= (NM_001375321.1).
Identifiers: ClinVar variation 1532959 (VCV001532959.10), dbSNP rs953456465, ClinGen allele CA129101233.